The following is an entry in ClinVar:

ClinVar aggregate classification (germline): Uncertain significance (1 of 4 stars; one submission).

Allele frequency attached by ClinVar (database versions not stated): gnomAD exomes below 0.00001.
gnomAD v4.1: 2 of 1,605,112 alleles (0.00012%); highest among the groups gnomAD compares: Admixed American, 0.0017%; no homozygotes.

Submission:

Labcorp Genetics (formerly Invitae), Labcorp
Classification: Uncertain significance. Last evaluated: 2022-03-19. Review status: criteria provided, single submitter. Criteria: Invitae Variant Classification Sherloc (09022015). Collection method: clinical testing. Allele origin: germline.
Comment: In summary, the available evidence is currently insufficient to determine the role of this variant in disease. Therefore, it has been classified as a Variant of Uncertain Significance. This sequence change replaces methionine, which is neutral and non-polar, with threonine, which is neutral and polar, at codon 807 of the SCN3A protein (p.Met807Thr). This variant is not present in population databases (gnomAD no frequency). This variant has not been reported in the literature in individuals affected with SCN3A-related conditions. ClinVar contains an entry for this variant (Variation ID: 841290). Algorithms developed to predict the effect of missense changes on protein structure and function are either unavailable or do not agree on the potential impact of this missense change (SIFT: "Deleterious"; PolyPhen-2: "Benign"; Align-GVGD: "Class C25").

NM_006922.4(SCN3A):c.2420T>C (p.Met807Thr)

Gene: SCN3A (sodium voltage-gated channel alpha subunit 3; minus strand). Cytogenetic location: 2q24.3.
Variant type: single nucleotide variant.
Coding change: c.2420T>C on transcript NM_006922.4 (MANE Select); coding-DNA position 2420, T replaced by C.
Protein change: p.Met807Thr; replaces methionine 807 with threonine.
Molecular consequence: missense variant.
Genome position (GRCh38, 1-based): chr2:165,131,389, A>G on the plus strand (T>C on the coding strand, the complement: SCN3A is on the minus strand). VCF-style: chr2-165131389-A-G. GRCh37 (hg19) VCF-style: chr2-165987899-A-G.
Other names: c.2273T>C, p.Met758Thr (NM_001081676.2, NM_001081677.2); short protein forms M807T, M758T.
Identifiers: ClinVar variation 841290 (VCV000841290.9), dbSNP rs1687305832, ClinGen allele CA349043437.